The following is an entry in ClinVar:

NM_002227.4(JAK1):c.1050C>G (p.His350Gln)

Gene: JAK1 (Janus kinase 1; minus strand). Cytogenetic location: 1p31.3.
Variant type: single nucleotide variant.
Coding change: c.1050C>G on transcript NM_002227.4 (MANE Select); coding-DNA position 1050, C replaced by G.
Protein change: p.His350Gln; replaces histidine 350 with glutamine.
Molecular consequence: missense variant.
Genome position (GRCh38, 1-based): chr1:64,864,913, G>C on the plus strand (C>G on the coding strand, the complement: JAK1 is on the minus strand). VCF-style: chr1-64864913-G-C. GRCh37 (hg19) VCF-style: chr1-65330596-G-C.
Other names: c.1050C>G, p.His350Gln (NM_001320923.2, NM_001321852.2, NM_001321853.2 and 4 more transcripts); short protein forms H350Q.
Identifiers: ClinVar variation 1383176 (VCV001383176.8), dbSNP rs369910049, ClinGen allele CA893038.

ClinVar aggregate classification (germline): Uncertain significance (1 of 4 stars; one submission).

Allele frequency attached by ClinVar (database versions not stated): ESP Exome Variant Server 0.00008; ExAC 0.00001.
gnomAD v4.1: 5 of 1,613,714 alleles (0.00031%); highest among the groups gnomAD compares: Non-Finnish European, 0.00042%; no homozygotes.

Submission:

Labcorp Genetics (formerly Invitae), Labcorp
Classification: Uncertain significance. Last evaluated: 2025-11-25. Review status: criteria provided, single submitter. Criteria: Invitae Variant Classification Sherloc (09022015). Collection method: clinical testing. Allele origin: germline.
Comment: This sequence change replaces histidine, which is basic and polar, with glutamine, which is neutral and polar, at codon 350 of the JAK1 protein (p.His350Gln). This variant is present in population databases (rs369910049, gnomAD 0.0009%). This variant has not been reported in the literature in individuals affected with JAK1-related conditions. ClinVar contains an entry for this variant (Variation ID: 1383176). An algorithm developed to predict the effect of missense changes on protein structure and function outputs the following: PolyPhen-2: "Benign". The glutamine amino acid residue is found in multiple mammalian species, which suggests that this missense change does not adversely affect protein function. In summary, the available evidence is currently insufficient to determine the role of this variant in disease. Therefore, it has been classified as a Variant of Uncertain Significance.